The following is an entry in ClinVar:

ClinVar aggregate classification (germline): Uncertain significance. Review status: criteria provided, multiple submitters, no conflicts (2 of 4 stars). 2 submissions from 2 submitters: Uncertain significance (2). Last evaluated 2025-10-27.

Conditions:
Dilated cardiomyopathy 1G (CMD1G). Identifiers: Orphanet 154, MedGen C1858763, MONDO:0011400, OMIM 604145.

Allele frequency attached by ClinVar (database versions not stated): ExAC 0.00001.
gnomAD v4.1: 21 of 1,566,128 alleles (0.0013%); highest among the groups gnomAD compares: Non-Finnish European, 0.0018%; no homozygotes.

Submissions (2):

Clinical Genomics Laboratory, Washington University in St. Louis
Classification: Uncertain significance for Dilated cardiomyopathy 1G. Last evaluated: 2025-10-27. Review status: criteria provided, single submitter. Criteria: ACMG Guidelines, 2015. Collection method: clinical testing. Allele origin: germline.
Comment: A TTN c.95716C>T (p.Pro31906Ser) variant was identified in a heterozygous state. This variant is present in all three long isoforms of this gene (N2BA/N2B/N2A). This is a missense variant located in the A-band that binds myosin and myosin binding protein stabilizes the thick filament. The TTN c.95716C>T (p.Pro31906Ser) variant, to our knowledge, has not been reported in the medical literature but has been reported in the ClinVar database as a germline variant of uncertain significance by a single submitter (ClinVar variation ID: 1256071). It occurs in 21/1,566,128 alleles in the general population (gnomAD v.4.10) indicating it is not a common variant. Computational predictors are uncertain as to the impact of this variant on TTN function. Due to limited information, and based on ACMG/AMP guidelines for variant interpretation (Richards S et al., PMID: 25741868), the clinical significance of this variant is uncertain at this time.

Athena Diagnostics
Classification: Uncertain significance. Last evaluated: 2021-05-20. Review status: criteria provided, single submitter. Criteria: Athena Diagnostics criteria. Collection method: clinical testing. Allele origin: unknown.

NM_001267550.2(TTN):c.95716C>T (p.Pro31906Ser)

Genes: TTN (titin; minus strand), TTN-AS1 (TTN antisense RNA 1; plus strand). Cytogenetic location: 2q31.2.
Variant type: single nucleotide variant.
Coding change: c.95716C>T on transcript NM_001267550.2 (MANE Select); coding-DNA position 95716, C replaced by T.
Protein change: p.Pro31906Ser; replaces proline 31906 with serine.
Molecular consequence: missense variant.
Genome position (GRCh38, 1-based): chr2:178,545,394, G>A on the plus strand (C>T on the coding strand, the complement: TTN is on the minus strand). VCF-style: chr2-178545394-G-A. GRCh37 (hg19) VCF-style: chr2-179410121-G-A.
Other names: c.90793C>T, p.Pro30265Ser (NM_001256850.1); c.68521C>T, p.Pro22841Ser (NM_003319.4); c.88012C>T, p.Pro29338Ser (NM_133378.4); c.68896C>T, p.Pro22966Ser (NM_133432.3); c.69097C>T, p.Pro23033Ser (NM_133437.4); short protein forms P22841S, P22966S, P23033S, P29338S, P30265S, P31906S.
Identifiers: ClinVar variation 1256071 (VCV001256071.2), dbSNP rs755949122, ClinGen allele CA1986897.